The following is an entry in ClinVar:

NM_203486.3(DLL3):c.1376A>T (p.Tyr459Phe)

Gene: DLL3 (delta like canonical Notch ligand 3; plus strand). Cytogenetic location: 19q13.2.
Variant type: single nucleotide variant.
Coding change: c.1376A>T on transcript NM_203486.3 (MANE Select); coding-DNA position 1376, A replaced by T.
Protein change: p.Tyr459Phe; replaces tyrosine 459 with phenylalanine.
Molecular consequence: missense variant.
Genome position (GRCh38, 1-based): chr19:39,507,321, A>T. VCF-style: chr19-39507321-A-T. GRCh37 (hg19) VCF-style: chr19-39997961-A-T.
Other names: c.1376A>T, p.Tyr459Phe (NM_016941.4); c.1376A>T (NM_016941.3); short protein forms Y459F.
Identifiers: ClinVar variation 1330588 (VCV001330588.9), dbSNP rs572290101, ClinGen allele CA9432424.

ClinVar aggregate classification (germline): Uncertain significance. Review status: criteria provided, multiple submitters, no conflicts (2 of 4 stars). 3 submissions from 3 submitters: Uncertain significance (3). Last evaluated 2025-10-07.

Conditions:
Inborn genetic diseases. Identifiers: MedGen C0950123, MeSH D030342.
Spondylocostal dysostosis 1, autosomal recessive (SCDO1). Also called: DLL3-Related Spondylocostal Dysostosis, Autosomal Recessive. Identifiers: Orphanet 2311, MedGen CN032975, MONDO:0020692, OMIM 277300.

Allele frequency attached by ClinVar (database versions not stated): ExAC 0.00006; 1000 Genomes Project 30x 0.00016; gnomAD exomes 0.00017; 1000 Genomes Project 0.00020.
gnomAD v4.1: 130 of 1,565,308 alleles (0.0083%); highest among the groups gnomAD compares: Admixed American, 0.19%; no homozygotes.

Submissions (3):

Ambry Genetics
Classification: Uncertain significance for Inborn genetic diseases. Last evaluated: 2025-10-07. Review status: criteria provided, single submitter. Criteria: Ambry Variant Classification Scheme 2023. Collection method: clinical testing. Allele origin: germline.

Labcorp Genetics (formerly Invitae), Labcorp
Classification: Uncertain significance. Last evaluated: 2022-09-07. Review status: criteria provided, single submitter. Criteria: Invitae Variant Classification Sherloc (09022015). Collection method: clinical testing. Allele origin: germline.
Comment: This sequence change replaces tyrosine, which is neutral and polar, with phenylalanine, which is neutral and non-polar, at codon 459 of the DLL3 protein (p.Tyr459Phe). This variant is present in population databases (rs572290101, gnomAD 0.08%). This variant has not been reported in the literature in individuals affected with DLL3-related conditions. ClinVar contains an entry for this variant (Variation ID: 1330588). Algorithms developed to predict the effect of missense changes on protein structure and function are either unavailable or do not agree on the potential impact of this missense change (SIFT: "Deleterious"; PolyPhen-2: "Probably Damaging"; Align-GVGD: "Class C0"). In summary, the available evidence is currently insufficient to determine the role of this variant in disease. Therefore, it has been classified as a Variant of Uncertain Significance.

ARUP Laboratories, Molecular Genetics and Genomics, ARUP Laboratories
Classification: Uncertain significance for Spondylocostal dysostosis 1, autosomal recessive. Last evaluated: 2021-10-21. Review status: criteria provided, single submitter. Criteria: ARUP Molecular Germline Variant Investigation Process 2021. Collection method: clinical testing. Allele origin: germline.
Comment: The DLL3 c.1376A>T; p.Tyr459Phe variant (rs572290101), to our knowledge, is not reported in the medical literature or gene-specific databases. This variant is found in the Latino population with an overall allele frequency of 0.08% (23/29584 alleles) in the Genome Aggregation Database. The tyrosine at codon 459 is moderately conserved, it occurs as a phenylalanine in multiple vertebrate species, and computational analyses predict that this variant is neutral (REVEL: 0.129). However, given the lack of clinical and functional data, the significance of the p.Tyr459Phe variant is uncertain at this time.